The following is an entry in ClinVar:

NM_018706.7(DHTKD1):c.1955T>C (p.Ile652Thr)

Gene: DHTKD1 (dehydrogenase E1 and transketolase domain containing 1; plus strand). Cytogenetic location: 10p14.
Variant type: single nucleotide variant.
Coding change: c.1955T>C on transcript NM_018706.7 (MANE Select); coding-DNA position 1955, T replaced by C.
Protein change: p.Ile652Thr; replaces isoleucine 652 with threonine.
Molecular consequence: missense variant.
Genome position (GRCh38, 1-based): chr10:12,106,304, T>C. VCF-style: chr10-12106304-T-C. GRCh37 (hg19) VCF-style: chr10-12148303-T-C.
Other names: short protein forms I652T.
Identifiers: ClinVar variation 2874002 (VCV002874002.3), dbSNP rs1375785592, ClinGen allele CA376011252.

ClinVar aggregate classification (germline): Uncertain significance (1 of 4 stars; one submission).

Conditions:
2-aminoadipic 2-oxoadipic aciduria (AAKAD). Also called: ALPHA-AMINOADIPIC AND ALPHA-KETOADIPIC ACIDURIA; Aminoadipic aciduria. Identifiers: Orphanet 79154, MedGen C1859817, MONDO:0008774, OMIM 204750.

Allele frequency attached by ClinVar (database versions not stated): gnomAD exomes below 0.00001; TOPMed below 0.00001; gnomAD 0.00001.
gnomAD v4.1: 4 of 1,614,030 alleles (0.00025%); highest among the groups gnomAD compares: African/African-American, 0.0013%; no homozygotes.

Submission:

Labcorp Genetics (formerly Invitae), Labcorp
Classification: Uncertain significance for 2-aminoadipic 2-oxoadipic aciduria. Last evaluated: 2024-03-07. Review status: criteria provided, single submitter. Criteria: Invitae Variant Classification Sherloc (09022015). Collection method: clinical testing. Allele origin: germline.
Comment: This sequence change replaces isoleucine, which is neutral and non-polar, with threonine, which is neutral and polar, at codon 652 of the DHTKD1 protein (p.Ile652Thr). This variant is not present in population databases (gnomAD no frequency). This variant has not been reported in the literature in individuals affected with DHTKD1-related conditions. Advanced modeling of protein sequence and biophysical properties (such as structural, functional, and spatial information, amino acid conservation, physicochemical variation, residue mobility, and thermodynamic stability) performed at Invitae indicates that this missense variant is not expected to disrupt DHTKD1 protein function with a negative predictive value of 80%. In summary, the available evidence is currently insufficient to determine the role of this variant in disease. Therefore, it has been classified as a Variant of Uncertain Significance.